The following is an entry in ClinVar:

ClinVar aggregate classification (germline): Uncertain significance (1 of 4 stars; one submission).

Conditions:
Primary familial hypertrophic cardiomyopathy (HCM). Identifiers: Orphanet 99739, MedGen C0949658, MeSH D024741, MONDO:0024573. Inheritance: Various modes of inheritance.
Dilated cardiomyopathy 1AA (CMD1AA). Also called: CARDIOMYOPATHY, DILATED, 1AA, WITH OR WITHOUT LEFT VENTRICULAR NONCOMPACTION; CARDIOMYOPATHY, FAMILIAL HYPERTROPHIC, 23, WITH OR WITHOUT LEFT VENTRICULAR NONCOMPACTION; Cardiomyopathy, dilated, 1AA, with or without LVNC. Identifiers: Orphanet 154, MedGen C2677338, MONDO:0012808, OMIM 612158.

Submission:

Labcorp Genetics (formerly Invitae), Labcorp
Classification: Uncertain significance for Primary familial hypertrophic cardiomyopathy; Dilated cardiomyopathy 1AA. Last evaluated: 2024-06-26. Review status: criteria provided, single submitter. Criteria: Invitae Variant Classification Sherloc (09022015). Collection method: clinical testing. Allele origin: germline.
Comment: This sequence change replaces valine, which is neutral and non-polar, with alanine, which is neutral and non-polar, at codon 275 of the ACTN2 protein (p.Val275Ala). This variant is not present in population databases (gnomAD no frequency). This variant has not been reported in the literature in individuals affected with ACTN2-related conditions. Advanced modeling of protein sequence and biophysical properties (such as structural, functional, and spatial information, amino acid conservation, physicochemical variation, residue mobility, and thermodynamic stability) performed at Invitae indicates that this missense variant is not expected to disrupt ACTN2 protein function with a negative predictive value of 80%. In summary, the available evidence is currently insufficient to determine the role of this variant in disease. Therefore, it has been classified as a Variant of Uncertain Significance.

NM_001103.4(ACTN2):c.824T>C (p.Val275Ala)

Gene: ACTN2 (actinin alpha 2; plus strand). Cytogenetic location: 1q43.
Variant type: single nucleotide variant.
Coding change: c.824T>C on transcript NM_001103.4 (MANE Select); coding-DNA position 824, T replaced by C.
Protein change: p.Val275Ala; replaces valine 275 with alanine.
Molecular consequence: missense variant. On other transcripts: non-coding transcript variant (1).
Genome position (GRCh38, 1-based): chr1:236,737,162, T>C. VCF-style: chr1-236737162-T-C. GRCh37 (hg19) VCF-style: chr1-236900462-T-C.
Other names: c.824T>C, p.Val275Ala (NM_001278343.2); short protein forms V275A.
Identifiers: ClinVar variation 3757008 (VCV003757008.2).